The following is an entry in ClinVar:

ClinVar aggregate classification (germline): Uncertain significance (1 of 4 stars; one submission).

Conditions:
ALMS1-related disorder. Also called: ALMS1-related condition.

Submission:

PreventionGenetics, part of Exact Sciences
Classification: Uncertain significance for ALMS1-related condition. Last evaluated: 2025-10-06. Review status: criteria provided, single submitter. Criteria: ACMG Guidelines, 2015. Collection method: clinical testing. Allele origin: germline.
Comment: The ALMS1 c.4427C>T variant is predicted to result in the amino acid substitution p.Ser1476Leu. To our knowledge, this variant has not been reported in the literature. This variant is reported in 0.0018% of alleles in individuals of European (non-Finnish) descent in gnomAD. At this time, the clinical significance of this variant is uncertain due to the absence of conclusive functional and genetic evidence.

NM_001378454.1(ALMS1):c.4424C>T (p.Ser1475Phe)

Gene: ALMS1 (ALMS1 centrosome and basal body associated protein; plus strand). Cytogenetic location: 2p13.1.
Variant type: single nucleotide variant.
Coding change: c.4424C>T on transcript NM_001378454.1 (MANE Select); coding-DNA position 4424, C replaced by T.
Protein change: p.Ser1475Phe; replaces serine 1475 with phenylalanine.
Molecular consequence: missense variant.
Genome position (GRCh38, 1-based): chr2:73,450,951, C>T. VCF-style: chr2-73450951-C-T. GRCh37 (hg19) VCF-style: chr2-73678078-C-T.
Other names: c.4427C>T, p.Ser1476Phe (NM_015120.4); short protein forms S1475F, S1476F.
Identifiers: ClinVar variation 4977404 (VCV004977404.1).